The following is an entry in ClinVar:

NM_000548.5(TSC2):c.4486A>G (p.Asn1496Asp)

Gene: TSC2 (TSC complex subunit 2; plus strand). Cytogenetic location: 16p13.3.
Variant type: single nucleotide variant.
Coding change: c.4486A>G on transcript NM_000548.5 (MANE Select); coding-DNA position 4486, A replaced by G.
Protein change: p.Asn1496Asp; replaces asparagine 1496 with aspartic acid.
Molecular consequence: missense variant.
Genome position (GRCh38, 1-based): chr16:2,084,708, A>G. VCF-style: chr16-2084708-A-G. GRCh37 (hg19) VCF-style: chr16-2134709-A-G.
Other names: c.4285A>G, p.Asn1429Asp (NM_001077183.3); c.4417A>G, p.Asn1473Asp (NM_001114382.3); c.4177A>G, p.Asn1393Asp (NM_001318827.2); c.4141A>G, p.Asn1381Asp (NM_001318829.2); c.3754A>G, p.Asn1252Asp (NM_001318831.2); c.4318A>G, p.Asn1440Asp (NM_001318832.2); c.4288A>G, p.Asn1430Asp (NM_001363528.2); c.4354A>G, p.Asn1452Asp (NM_001370404.1); and 1 more; short protein forms N1429D, N1393D, N1440D, N1452D, N1496D, N1381D, N1430D, N1453D.
Identifiers: ClinVar variation 844267 (VCV000844267.9), dbSNP rs2090544468, ClinGen allele CA394302597.

ClinVar aggregate classification (germline): Uncertain significance (1 of 4 stars; one submission).

Conditions:
Tuberous sclerosis 2 (TSC2). Identifiers: Orphanet 805, MedGen C1860707, MONDO:0013199, OMIM 613254.

Submission:

Labcorp Genetics (formerly Invitae), Labcorp
Classification: Uncertain significance for Tuberous sclerosis 2. Last evaluated: 2019-11-26. Review status: criteria provided, single submitter. Criteria: Invitae Variant Classification Sherloc (09022015). Collection method: clinical testing. Allele origin: germline.
Comment: This sequence change replaces asparagine with aspartic acid at codon 1496 of the TSC2 protein (p.Asn1496Asp). The asparagine residue is moderately conserved and there is a small physicochemical difference between asparagine and aspartic acid. This variant is not present in population databases (ExAC no frequency). In summary, the available evidence is currently insufficient to determine the role of this variant in disease. Therefore, it has been classified as a Variant of Uncertain Significance. Algorithms developed to predict the effect of missense changes on protein structure and function are either unavailable or do not agree on the potential impact of this missense change (SIFT: "Tolerated"; PolyPhen-2: "Possibly Damaging"; Align-GVGD: "Class C0"). This variant has not been reported in the literature in individuals with TSC2-related conditions.